The following is an entry in ClinVar:

NM_000061.3(BTK):c.100G>A (p.Val34Met)

Gene: BTK (Bruton tyrosine kinase; minus strand). Cytogenetic location: Xq22.1.
Variant type: single nucleotide variant.
Coding change: c.100G>A on transcript NM_000061.3 (MANE Select); coding-DNA position 100, G replaced by A.
Protein change: p.Val34Met; replaces valine 34 with methionine.
Molecular consequence: missense variant.
Genome position (GRCh38, 1-based): chrX:101,375,185, C>T on the plus strand (G>A on the coding strand, the complement: BTK is on the minus strand). VCF-style: chrX-101375185-C-T. GRCh37 (hg19) VCF-style: chrX-100630173-C-T.
Other names: c.202G>A, p.Val68Met (NM_001287344.2); c.100G>A, p.Val34Met (NM_001287345.2); short protein forms V34M, V68M.
Identifiers: ClinVar variation 915143 (VCV000915143.11), dbSNP rs141488935, ClinGen allele CA10473233.
Genomic context (GRCh38, chrX:101,375,185, plus strand): 5'-TCATAGTCGAGAAACTTACCCCACGTTCAAAGTCATACTCATAGTAGGAGAGTTTGTGCA[C>T]GGTCAAGAGAAACAGGCGCTTCTTGAAGTTTAGAGGTGATGTTTTCTTTTTCTGTTGGGA-3'
Protein context (NP_000052.1, residues 24-44): NFKKRLFLLT[Val34Met]HKLSYYEYDF

ClinVar aggregate classification (germline): Uncertain significance. Review status: criteria provided, multiple submitters, no conflicts (2 of 4 stars). 5 submissions from 4 submitters: Uncertain significance (5). Last evaluated 2024-04-26.

Conditions:
X-linked agammaglobulinemia (XLA). Also called: IMMUNODEFICIENCY 1; Agammaglobulinemia, Bruton tyrosine kinase; Agammaglobulinemia, BTK; BTK-deficiency; Bruton-type agammaglobulinemia; Bruton's agammaglobulinemia. Identifiers: Orphanet 229717, Orphanet 47, MedGen C0221026, MONDO:0010421, OMIM 300755.
X-linked agammaglobulinemia with growth hormone deficiency (IGHD3). Also called: AGAMMAGLOBULINEMIA AND ISOLATED GROWTH HORMONE DEFICIENCY, X-LINKED; FLEISHER SYNDROME; HYPOGAMMAGLOBULINEMIA AND ISOLATED GROWTH HORMONE DEFICIENCY, X-LINKED; IGHD III; Isolated growth hormone deficiency type 3; Growth hormone deficiency with hypogammaglobulinemia. Identifiers: Orphanet 231692, Orphanet 631, MedGen C0472813, MONDO:0010615, OMIM 307200.

Allele frequency attached by ClinVar (database versions not stated): ExAC 0.00001; gnomAD exomes 0.00001; ESP Exome Variant Server 0.00009.
gnomAD v4.1: 40 of 1,211,476 alleles (0.0033%); highest among the groups gnomAD compares: Middle Eastern, 0.069%; no homozygotes.

Submissions (5):

Labcorp Genetics (formerly Invitae), Labcorp
Classification: Uncertain significance for X-linked agammaglobulinemia with growth hormone deficiency. Last evaluated: 2024-04-26. Review status: criteria provided, single submitter. Criteria: Invitae Variant Classification Sherloc (09022015). Collection method: clinical testing. Allele origin: germline.
Comment: This sequence change replaces valine, which is neutral and non-polar, with methionine, which is neutral and non-polar, at codon 34 of the BTK protein (p.Val34Met). This variant is present in population databases (rs141488935, gnomAD 0.003%). This variant has not been reported in the literature in individuals affected with BTK-related conditions. ClinVar contains an entry for this variant (Variation ID: 915143). Advanced modeling of protein sequence and biophysical properties (such as structural, functional, and spatial information, amino acid conservation, physicochemical variation, residue mobility, and thermodynamic stability) performed at Invitae indicates that this missense variant is not expected to disrupt BTK protein function with a negative predictive value of 95%. In summary, the available evidence is currently insufficient to determine the role of this variant in disease. Therefore, it has been classified as a Variant of Uncertain Significance.

GeneDx
Classification: Uncertain significance. Last evaluated: 2022-10-05. Review status: criteria provided, single submitter. Criteria: GeneDx Variant Classification Process June 2021. Collection method: clinical testing. Allele origin: germline. Affected: yes.
Comment: Not observed at significant frequency in large population cohorts (gnomAD); In silico analysis supports that this missense variant does not alter protein structure/function; Has not been previously published as pathogenic or benign to our knowledge; This variant is associated with the following publications: (PMID: 24001798)

Institute for Medical Genetics and Human Genetics, Charité - Universitätsmedizin Berlin
Classification: Uncertain significance for X-linked agammaglobulinemia. Last evaluated: 2022-09-22. Review status: criteria provided, single submitter. Criteria: ACMG Guidelines, 2015. Collection method: clinical testing. Allele origin: germline. Inheritance: X-linked recessive inheritance. Affected: yes. Observed: 1 compound heterozygote.

Illumina Laboratory Services, Illumina
Classification: Uncertain significance for X-linked agammaglobulinemia. Last evaluated: 2018-01-13. Review status: criteria provided, single submitter. Criteria: ICSL Variant Classification Criteria 13 December 2019. Collection method: clinical testing. Allele origin: germline.

Illumina Laboratory Services, Illumina
Classification: Uncertain significance for X-linked agammaglobulinemia with growth hormone deficiency. Last evaluated: 2018-01-13. Review status: criteria provided, single submitter. Criteria: ICSL Variant Classification Criteria 13 December 2019. Collection method: clinical testing. Allele origin: germline.